The following is an entry in ClinVar:

NM_021008.4(DEAF1):c.658G>A (p.Gly220Ser)

Gene: DEAF1 (DEAF1 transcription factor; minus strand). Cytogenetic location: 11p15.5.
Variant type: single nucleotide variant.
Coding change: c.658G>A on transcript NM_021008.4 (MANE Select); coding-DNA position 658, G replaced by A.
Protein change: p.Gly220Ser; replaces glycine 220 with serine.
Molecular consequence: missense variant. On other transcripts: 5 prime UTR variant (1).
Genome position (GRCh38, 1-based): chr11:687,917, C>T on the plus strand (G>A on the coding strand, the complement: DEAF1 is on the minus strand). VCF-style: chr11-687917-C-T. GRCh37 (hg19) VCF-style: chr11-687917-C-T.
Other names: c.658G>A, p.Gly220Ser (NM_001293634.2); c.-69G>A (NM_001367390.1); short protein forms G220S.
Identifiers: ClinVar variation 521587 (VCV000521587.57), dbSNP rs751569402, ClinGen allele CA5786472.

ClinVar aggregate classification (germline): Conflicting classifications of pathogenicity. Review status: criteria provided, conflicting classifications (1 of 4 stars). 6 submissions from 6 submitters: Pathogenic (1); Likely pathogenic (1); Uncertain significance (4). Last evaluated 2025-07-16.

Conditions:
Intellectual disability. Also called: Intellectual developmental disorder; Intellectual functioning disability; intellectual disabilities. Identifiers: MedGen C3714756, MeSH D008607, MONDO:0001071, HP:0001249.
Inborn genetic diseases. Identifiers: MedGen C0950123, MeSH D030342.

Allele frequency attached by ClinVar (database versions not stated): ExAC 0.00001.

Submissions (6):

GeneDx
Classification: Pathogenic. Last evaluated: 2025-07-16. Review status: criteria provided, single submitter. Criteria: GeneDx Variant Classification Process June 2021. Collection method: clinical testing. Allele origin: germline. Affected: yes.
Comment: Not observed at significant frequency in large population cohorts (gnomAD); In silico analysis supports that this missense variant has a deleterious effect on protein structure/function; This variant is associated with the following publications: (PMID: 28213671, 28940898, 23372760, 35982160, 35982159, 26834045, 26048982, 24726472, 24668509, 23020937, 21076407, 22442688, 35231114, 28714951, 31785789, 31981491)

Women's Health and Genetics/Laboratory Corporation of America, LabCorp
Classification: Uncertain significance. Last evaluated: 2025-07-08. Review status: criteria provided, single submitter. Criteria: LabCorp Variant Classification Summary - May 2015. Collection method: clinical testing. Allele origin: germline.
Comment: Variant summary: DEAF1 c.658G>A (p.Gly220Ser) results in a non-conservative amino acid change in the encoded protein sequence. Algorithms developed to predict the effect of missense changes on protein structure and function are either unavailable or do not agree on the potential impact of this missense change. The variant was absent in 251282 control chromosomes. c.658G>A has been observed in individuals affected with autism spectrum disorder, including one individual with Vulto van Silfout de Vries syndrome in whom it was reported as de novo (e.g. Lim_2017, Duan_2022). To our knowledge, no experimental evidence demonstrating an impact on protein function has been reported. The following publications have been ascertained in the context of this evaluation (PMID: 28714951, 31785789, 31981491, 35231114). ClinVar contains an entry for this variant (Variation ID: 521587). Based on the evidence outlined above, the variant was classified as VUS-possibly pathogenic.

Labcorp Genetics (formerly Invitae), Labcorp
Classification: Uncertain significance. Last evaluated: 2024-12-08. Review status: criteria provided, single submitter. Criteria: Invitae Variant Classification Sherloc (09022015). Collection method: clinical testing. Allele origin: germline.
Comment: This sequence change replaces glycine, which is neutral and non-polar, with serine, which is neutral and polar, at codon 220 of the DEAF1 protein (p.Gly220Ser). This variant is not present in population databases (gnomAD no frequency). This missense change has been observed in individual(s) with clinical features of DEAF1-related conditions (PMID: 28714951, 31785789, 31981491, 35231114). ClinVar contains an entry for this variant (Variation ID: 521587). Invitae Evidence Modeling of protein sequence and biophysical properties (such as structural, functional, and spatial information, amino acid conservation, physicochemical variation, residue mobility, and thermodynamic stability) indicates that this missense variant is expected to disrupt DEAF1 protein function with a positive predictive value of 95%. In summary, the available evidence is currently insufficient to determine the role of this variant in disease. Therefore, it has been classified as a Variant of Uncertain Significance.

Diagnostic Laboratory, Strasbourg University Hospital
Classification: Uncertain significance for Intellectual disability. Last evaluated: 2020-09-10. Review status: criteria provided, single submitter. Criteria: ACMG Guidelines, 2015. Collection method: clinical testing. Allele origin: maternal. Affected: yes. Observed: 1 heterozygote.

CeGaT Center for Human Genetics Tuebingen
Classification: Uncertain significance. Last evaluated: 2019-03-01. Review status: criteria provided, single submitter. Criteria: CeGaT Center For Human Genetics Tuebingen Variant Classification Criteria Version 2. Collection method: clinical testing. Allele origin: germline. Affected: yes. Observed: 2 variant alleles.

Ambry Genetics
Classification: Likely pathogenic for Inborn genetic diseases. Last evaluated: 2017-02-06. Review status: criteria provided, single submitter. Criteria: Ambry exome assertion method (8-5-2015). Collection method: clinical testing. Allele origin: germline. Affected: yes. Observed: 1 variant allele.

Literature cited by the submitters: PubMed 31785789 (cited by Women's Health and Genetics/Laboratory Corporation of America, LabCorp and Labcorp Genetics (formerly Invitae), Labcorp); PubMed 28714951 (cited by Women's Health and Genetics/Laboratory Corporation of America, LabCorp and Labcorp Genetics (formerly Invitae), Labcorp); PubMed 31981491 (cited by Women's Health and Genetics/Laboratory Corporation of America, LabCorp and Labcorp Genetics (formerly Invitae), Labcorp); PubMed 35231114 (cited by Women's Health and Genetics/Laboratory Corporation of America, LabCorp and Labcorp Genetics (formerly Invitae), Labcorp).